The following is an entry in ClinVar:

NM_001004334.4(GPR179):c.1250del (p.Val417fs)

Gene: GPR179 (G protein-coupled receptor 179; minus strand). Cytogenetic location: 17q12.
Variant type: Deletion.
Coding change: c.1250del on transcript NM_001004334.4 (MANE Select); coding-DNA position 1250, one base deleted (T; older notation c.1250delT).
Protein change: p.Val417fs; shifts the reading frame from valine 417.
Molecular consequence: frameshift variant.
Genome position (GRCh38, 1-based): chr17:38,336,122, A deleted on the plus strand (T on the coding strand, the reverse complement: GPR179 is on the minus strand). VCF-style (leftmost placement, unchanged base first): chr17-38336121-GA-G. GRCh37 (hg19) VCF-style: chr17-36492004-GA-G.
Other names: short protein forms V417fs.
Identifiers: ClinVar variation 2085819 (VCV002085819.4), dbSNP rs2512169267, ClinGen allele CA2580093613.

ClinVar aggregate classification (germline): Pathogenic (1 of 4 stars; one submission).

Submission:

Labcorp Genetics (formerly Invitae), Labcorp
Classification: Pathogenic. Last evaluated: 2022-08-23. Review status: criteria provided, single submitter. Criteria: Invitae Variant Classification Sherloc (09022015). Collection method: clinical testing. Allele origin: germline.
Comment: This variant is not present in population databases (gnomAD no frequency). This variant has not been reported in the literature in individuals affected with GPR179-related conditions. For these reasons, this variant has been classified as Pathogenic. This sequence change creates a premature translational stop signal (p.Val417Alafs*69) in the GPR179 gene. It is expected to result in an absent or disrupted protein product. Loss-of-function variants in GPR179 are known to be pathogenic (PMID: 22325361, 22325362).

Literature cited by the submitters: PubMed 22325361; PubMed 22325362.